The following is an entry in ClinVar:

NM_007294.4(BRCA1):c.3682C>A (p.His1228Asn)

Genes: BRCA1 (BRCA1 DNA repair associated; minus strand), LOC126862571 (BRD4-independent group 4 enhancer GRCh37_chr17:41243136-41244335; plus strand). Cytogenetic location: 17q21.31.
Variant type: single nucleotide variant.
Coding change: c.3682C>A on transcript NM_007294.4 (MANE Select); coding-DNA position 3682, C replaced by A.
Protein change: p.His1228Asn; replaces histidine 1228 with asparagine.
Molecular consequence: missense variant. On other transcripts: intron variant (135).
Genome position (GRCh38, 1-based): chr17:43,091,849, G>T on the plus strand (C>A on the coding strand, the complement: BRCA1 is on the minus strand). VCF-style: chr17-43091849-G-T. GRCh37 (hg19) VCF-style: chr17-41243866-G-T.
Other names: c.785-817C>A (NM_001408399.1, NM_001407984.1, NM_001408397.1 and 13 more transcripts); c.3469C>A, p.His1157Asn (NM_001407899.1, NM_001407571.1, NM_001407853.1 and 9 more transcripts); c.3472C>A, p.His1158Asn (NM_001407904.1, NM_001407906.1, NM_001407907.1 and 13 more transcripts); c.665-817C>A (NM_001408425.1, NM_001408443.1, NM_001408439.1 and 12 more transcripts); c.671-817C>A (NM_001408419.1, NM_001408423.1, NM_001408420.1 and 2 more transcripts); c.788-817C>A (NM_001407983.1, NM_001408403.1, NM_001407980.1 and 17 more transcripts); c.3418C>A, p.His1140Asn (NM_001407922.1, NM_001407923.1, NM_001407924.1 and 9 more transcripts); c.3415C>A, p.His1139Asn (NM_001407930.1, NM_001407931.1, NM_001407932.1 and 2 more transcripts); and 41 more; short protein forms H1060N, H1100N, H1101N, H1116N, H1117N, H1139N, H1140N, H1157N.
Identifiers: ClinVar variation 3226141 (VCV003226141.1), dbSNP rs1567790599, ClinGen allele CA10594603.

ClinVar aggregate classification (germline): Uncertain significance (1 of 4 stars; one submission).

Conditions:
Hereditary cancer-predisposing syndrome. Also called: Neoplastic Syndromes, Hereditary; Tumor predisposition; Hereditary neoplastic syndrome; Hereditary Cancer Syndrome. Identifiers: Orphanet 140162, MedGen C0027672, MeSH D009386, MONDO:0015356.

Submission:

Ambry Genetics
Classification: Uncertain significance for Hereditary cancer-predisposing syndrome. Last evaluated: 2024-03-14. Review status: criteria provided, single submitter. Criteria: Ambry Variant Classification Scheme 2023. Collection method: clinical testing. Allele origin: germline.
Comment: The p.H1228N variant (also known as c.3682C>A), located in coding exon 9 of the BRCA1 gene, results from a C to A substitution at nucleotide position 3682. The histidine at codon 1228 is replaced by asparagine, an amino acid with similar properties. This amino acid position is not well conserved in available vertebrate species. In addition, the in silico prediction for this alteration is inconclusive. Based on the available evidence, the clinical significance of this alteration remains unclear.